The following is an entry in ClinVar:

NM_006059.4(LAMC3):c.3276G>A (p.Glu1092=)

Gene: LAMC3 (laminin subunit gamma 3; plus strand). Cytogenetic location: 9q34.12.
Variant type: single nucleotide variant.
Coding change: c.3276G>A on transcript NM_006059.4 (MANE Select); coding-DNA position 3276, G replaced by A.
Protein change: p.Glu1092=; no amino-acid change (glutamic acid 1092 retained).
Molecular consequence: synonymous variant.
Genome position (GRCh38, 1-based): chr9:131,072,694, G>A. VCF-style: chr9-131072694-G-A. GRCh37 (hg19) VCF-style: chr9-133948081-G-A.
Identifiers: ClinVar variation 391767 (VCV000391767.4), dbSNP rs1054281893, ClinGen allele CA16605387.

ClinVar aggregate classification (germline): Likely benign. Review status: criteria provided, multiple submitters, no conflicts (2 of 4 stars). 2 submissions from 2 submitters: Likely benign (2). Last evaluated 2025-10-20.

Allele frequency attached by ClinVar (database versions not stated): gnomAD exomes below 0.00001; TOPMed below 0.00001; gnomAD 0.00002.
gnomAD v4.1: 6 of 1,611,990 alleles (0.00037%); highest among the groups gnomAD compares: African/African-American, 0.004%; no homozygotes.

Submissions (2):

Labcorp Genetics (formerly Invitae), Labcorp
Classification: Likely benign. Last evaluated: 2025-10-20. Review status: criteria provided, single submitter. Criteria: Invitae Variant Classification Sherloc (09022015). Collection method: clinical testing. Allele origin: germline.

GeneDx
Classification: Likely benign. Last evaluated: 2016-12-14. Review status: criteria provided, single submitter. Criteria: GeneDx Variant Classification (06012015). Collection method: clinical testing. Allele origin: germline. Affected: yes.
Comment: This variant is considered likely benign or benign based on one or more of the following criteria: it is a conservative change, it occurs at a poorly conserved position in the protein, it is predicted to be benign by multiple in silico algorithms, and/or has population frequency not consistent with disease.